The following is an entry in ClinVar:

NM_000059.4(BRCA2):c.68-1248T>G

Gene: BRCA2 (BRCA2 DNA repair associated; plus strand). Cytogenetic location: 13q13.1.
Variant type: single nucleotide variant.
Coding change: c.68-1248T>G on transcript NM_000059.4 (MANE Select); 1248 bases into the intron before coding-DNA position 68, T replaced by G.
Molecular consequence: intron variant.
Genome position (GRCh38, 1-based): chr13:32,317,829, T>G. VCF-style: chr13-32317829-T-G. GRCh37 (hg19) VCF-style: chr13-32891966-T-G.
Other names: c.68-1248T>G (NM_001432077.1, NM_001406720.1, NM_001406719.1 and 1 more transcripts); c.-302-1248T>G (NM_001406722.1).
Identifiers: ClinVar variation 3992833 (VCV003992833.1).

ClinVar aggregate classification (germline): Uncertain significance (1 of 4 stars; one submission).

Conditions:
Hereditary cancer-predisposing syndrome. Also called: Tumor predisposition; Hereditary neoplastic syndrome; Neoplastic Syndromes, Hereditary; Hereditary Cancer Syndrome. Identifiers: Orphanet 140162, MedGen C0027672, MeSH D009386, MONDO:0015356.

Submission:

Ambry Genetics
Classification: Uncertain significance for Hereditary cancer-predisposing syndrome. Last evaluated: 2025-05-13. Review status: criteria provided, single submitter. Criteria: Ambry Variant Classification Scheme 2023. Collection method: clinical testing. Allele origin: germline.
Comment: The c.68-1248T>G intronic variant results from a T to G substitution 1248 nucleotides upstream from coding exon 2 in the BRCA2 gene. This nucleotide position is not well conserved in available vertebrate species. In silico splice site analysis predicts that this alteration will result in the creation or strengthening of a novel splice donor site and will result in the creation or strengthening of a novel splice acceptor site; however, direct evidence is insufficient at this time (Ambry internal data). Based on the available evidence, the clinical significance of this variant remains unclear.